The following is an entry in ClinVar:

NM_001318734.2(KLC2):c.1037dup (p.Tyr346Ter)

Genes: KLC2 (kinesin light chain 2; plus strand), KLC2-AS1 (KLC2 antisense RNA 1; minus strand). Cytogenetic location: 11q13.2.
Variant type: Duplication.
Coding change: c.1037dup on transcript NM_001318734.2 (MANE Select); coding-DNA position 1037, one base duplicated (A; older notation c.1037dupA).
Protein change: p.Tyr346Ter; replaces tyrosine 346 with a stop codon.
Molecular consequence: nonsense.
Genome position (GRCh38, 1-based): chr11:66,264,140, A duplicated. VCF-style (leftmost placement, unchanged base first): chr11-66264139-T-TA. GRCh37 (hg19) VCF-style: chr11-66031610-T-TA.
Other names: c.806dup, p.Tyr269Ter (NM_001134774.2); c.1037dup, p.Tyr346Ter (NM_001134775.2, NM_001134776.2, NM_022822.3); short protein forms Y269*, Y346*.
Identifiers: ClinVar variation 4875434 (VCV004875434.2).

ClinVar aggregate classification (germline): Uncertain significance (1 of 4 stars; one submission).

Submission:

CeGaT Center for Human Genetics Tuebingen
Classification: Uncertain significance. Last evaluated: 2026-06-01. Review status: criteria provided, single submitter. Criteria: CeGaT Center For Human Genetics Tuebingen Variant Classification Criteria Version 2. Collection method: clinical testing. Allele origin: germline. Affected: yes. Observed: 1 variant allele.
Comment: KLC2: PM2